The following is an entry in ClinVar:

NM_018668.5(VPS33B):c.365C>T (p.Ala122Val)

Gene: VPS33B (VPS33B late endosome and lysosome associated; minus strand). Cytogenetic location: 15q26.1.
Variant type: single nucleotide variant.
Coding change: c.365C>T on transcript NM_018668.5 (MANE Select); coding-DNA position 365, C replaced by T.
Protein change: p.Ala122Val; replaces alanine 122 with valine.
Molecular consequence: missense variant.
Genome position (GRCh38, 1-based): chr15:91,009,839, G>A on the plus strand (C>T on the coding strand, the complement: VPS33B is on the minus strand). VCF-style: chr15-91009839-G-A. GRCh37 (hg19) VCF-style: chr15-91553069-G-A.
Other names: c.284C>T, p.Ala95Val (NM_001289148.1); c.92C>T, p.Ala31Val (NM_001289149.1); short protein forms A31V, A122V, A95V.
Identifiers: ClinVar variation 2074618 (VCV002074618.4), dbSNP rs758641088, ClinGen allele CA7745093.
Genomic context (GRCh38, chr15:91,009,839, plus strand): 5'-ACTCACATTCATCTCCTCTCACCTCCATAGATTCCCTCTTCCTCAAGCACCATCTCACAC[G>A]CATAGAACTGAAAGAGAAAAGGAAATTGATTAGTAACTACCTTCTTCTCTGTTCTCTCCA-3'
Protein context (NP_061138.3, residues 112-132): KVIFSPQKFY[Ala122Val]CEMVLEEEGI

ClinVar aggregate classification (germline): Uncertain significance (1 of 4 stars; one submission).

Allele frequency attached by ClinVar (database versions not stated): TOPMed 0.00002; gnomAD 0.00003; gnomAD exomes 0.00003; ExAC 0.00004.
gnomAD v4.1: 50 of 1,613,972 alleles (0.0031%); highest among the groups gnomAD compares: South Asian, 0.012%; no homozygotes.

Submission:

Labcorp Genetics (formerly Invitae), Labcorp
Classification: Uncertain significance. Last evaluated: 2025-05-05. Review status: criteria provided, single submitter. Criteria: Invitae Variant Classification Sherloc (09022015). Collection method: clinical testing. Allele origin: germline.
Comment: This sequence change replaces alanine, which is neutral and non-polar, with valine, which is neutral and non-polar, at codon 122 of the VPS33B protein (p.Ala122Val). This variant is present in population databases (rs758641088, gnomAD 0.01%). This variant has not been reported in the literature in individuals affected with VPS33B-related conditions. ClinVar contains an entry for this variant (Variation ID: 2074618). Invitae Evidence Modeling of protein sequence and biophysical properties (such as structural, functional, and spatial information, amino acid conservation, physicochemical variation, residue mobility, and thermodynamic stability) indicates that this missense variant is not expected to disrupt VPS33B protein function with a negative predictive value of 80%. In summary, the available evidence is currently insufficient to determine the role of this variant in disease. Therefore, it has been classified as a Variant of Uncertain Significance.